The following is an entry in ClinVar:

NM_000038.6(APC):c.7996A>T (p.Ile2666Phe)

Gene: APC (APC regulator of Wnt signaling pathway; plus strand). Cytogenetic location: 5q22.2.
Variant type: single nucleotide variant.
Coding change: c.7996A>T on transcript NM_000038.6 (MANE Select); coding-DNA position 7996, A replaced by T.
Protein change: p.Ile2666Phe; replaces isoleucine 2666 with phenylalanine.
Molecular consequence: missense variant. On other transcripts: non-coding transcript variant (2).
Genome position (GRCh38, 1-based): chr5:112,843,590, A>T. VCF-style: chr5-112843590-A-T. GRCh37 (hg19) VCF-style: chr5-112179287-A-T.
Other names: c.7996A>T, p.Ile2666Phe (NM_001127510.3, NM_001354895.2, NM_001407450.1); c.7942A>T, p.Ile2648Phe (NM_001127511.3); c.8050A>T, p.Ile2684Phe (NM_001354896.2, NM_001407447.1, NM_001407448.1 and 1 more transcripts); c.8026A>T, p.Ile2676Phe (NM_001354897.2); c.7921A>T, p.Ile2641Phe (NM_001354898.2); c.7912A>T, p.Ile2638Phe (NM_001354899.2); c.7873A>T, p.Ile2625Phe (NM_001354900.2); c.7819A>T, p.Ile2607Phe (NM_001354901.2, NM_001407453.1); and 11 more; short protein forms I2575F, I2607F, I2641F, I2676F, I2684F, I2694F, I2383F, I2625F.
Identifiers: ClinVar variation 3881331 (VCV003881331.1).

ClinVar aggregate classification (germline): Uncertain significance (1 of 4 stars; one submission).

Conditions:
Hereditary cancer-predisposing syndrome. Also called: Tumor predisposition; Neoplastic Syndromes, Hereditary; Hereditary Cancer Syndrome; Hereditary neoplastic syndrome. Identifiers: Orphanet 140162, MedGen C0027672, MeSH D009386, MONDO:0015356.

Submission:

Ambry Genetics
Classification: Uncertain significance for Hereditary cancer-predisposing syndrome. Last evaluated: 2025-01-03. Review status: criteria provided, single submitter. Criteria: Ambry Variant Classification Scheme 2023. Collection method: clinical testing. Allele origin: germline.
Comment: The p.I2666F variant (also known as c.7996A>T), located in coding exon 15 of the APC gene, results from an A to T substitution at nucleotide position 7996. The isoleucine at codon 2666 is replaced by phenylalanine, an amino acid with highly similar properties. This amino acid position is well conserved in available vertebrate species. In addition, in silico predictors for this gene do not accurately predict pathogenicity. Missense alterations in APC are not a common cause of disease (Spier I et al. Genet Med. 2024 Feb;26(2):100992). Based on the available evidence, the clinical significance of this variant remains unclear.